The following is an entry in ClinVar:

ClinVar aggregate classification (germline): Uncertain significance. Review status: criteria provided, multiple submitters, no conflicts (2 of 4 stars). 2 submissions from 2 submitters: Uncertain significance (2). Last evaluated 2024-06-27.

Conditions:
Hereditary cancer-predisposing syndrome. Also called: Neoplastic Syndromes, Hereditary; Tumor predisposition; Hereditary neoplastic syndrome; Hereditary Cancer Syndrome. Identifiers: Orphanet 140162, MedGen C0027672, MeSH D009386, MONDO:0015356.

Submissions (2):

Quest Diagnostics Nichols Institute San Juan Capistrano
Classification: Uncertain significance. Last evaluated: 2024-06-27. Review status: criteria provided, single submitter. Criteria: Quest Diagnostics criteria. Collection method: clinical testing. Allele origin: unknown.
Comment: The BRCA1 c.1054_1056del (p.Glu352del) variant has not been reported in individuals with BRCA1-related conditions in the published literature. It also has not been reported in large, multi-ethnic general populations (Genome Aggregation Database). Based on the available information, we are unable to determine the clinical significance of this variant.

Ambry Genetics
Classification: Uncertain significance for Hereditary cancer-predisposing syndrome. Last evaluated: 2023-11-17. Review status: criteria provided, single submitter. Criteria: Ambry Variant Classification Scheme 2023. Collection method: clinical testing. Allele origin: germline.
Comment: The c.1054_1056delGAA variant (also known as p.E352del) is located in coding exon 9 of the BRCA1 gene. This variant results from an in-frame GAA deletion at nucleotide positions 1054 to 1056. This results in the in-frame deletion of a glutamic acid at codon 352. This amino acid position is not well conserved in available vertebrate species. In addition, this alteration is predicted to be deleterious by in silico analysis (Choi Y et al. PLoS ONE. 2012; 7(10):e46688). Since supporting evidence is limited at this time, the clinical significance of this alteration remains unclear.

NM_007294.4(BRCA1):c.1054_1056del (p.Glu352del)

Gene: BRCA1 (BRCA1 DNA repair associated; minus strand). Cytogenetic location: 17q21.31.
Variant type: Deletion.
Coding change: c.1054_1056del on transcript NM_007294.4 (MANE Select); coding-DNA positions 1054 to 1056, 3 bases deleted (GAA; older notation c.1054_1056delGAA).
Protein change: p.Glu352del; deletes glutamic acid 352.
Molecular consequence: inframe deletion. On other transcripts: intron variant (137), inframe indel (2).
Genome position (GRCh38, 1-based): chr17:43,094,475-43,094,477, TTC deleted on the plus strand (GAA on the coding strand, the reverse complement: BRCA1 is on the minus strand); deleting any 3 consecutive bases within chr17:43,094,475-43,094,479 gives the same sequence; the c. name uses the placement nearest the transcript's 3' end. VCF-style (leftmost placement, unchanged base first): chr17-43094474-ATTC-A. GRCh37 (hg19) VCF-style: chr17-41246491-ATTC-A.
Other names: c.913_915del, p.Glu305del (NM_007297.4, NM_001407692.1, NM_001407694.1 and 29 more transcripts); c.1054_1056del, p.Glu352del (NM_007300.4, NM_001407581.1, NM_001407582.1 and 30 more transcripts); c.646+267_646+269del (NM_001408458.1, NM_001408460.1, NM_001408454.1 and 11 more transcripts); c.283+267_283+269del (NM_001408512.1); c.460+1369_460+1371del (NM_001408507.1, NM_001408506.1); c.545-3445_545-3443del (NM_001408495.1); c.661+267_661+269del (NM_001408448.1, NM_001408445.1, NM_001408432.1 and 6 more transcripts); c.667+1369_667+1371del (NM_001408421.1, NM_001408431.1, NM_001408424.1); and 43 more; short protein forms E184del, E224del, E225del, E240del, E241del, E263del, E264del, E281del.
Identifiers: ClinVar variation 3226095 (VCV003226095.2), dbSNP rs2552224410, ClinGen allele CA2825002519.